The following is an entry in ClinVar:

NM_001005273.3(CHD3):c.1716C>G (p.Ile572Met)

Gene: CHD3 (chromodomain helicase DNA binding protein 3; plus strand). Cytogenetic location: 17p13.1.
Variant type: single nucleotide variant.
Coding change: c.1716C>G on transcript NM_001005273.3 (MANE Select); coding-DNA position 1716, C replaced by G.
Protein change: p.Ile572Met; replaces isoleucine 572 with methionine.
Molecular consequence: missense variant.
Genome position (GRCh38, 1-based): chr17:7,897,091, C>G. VCF-style: chr17-7897091-C-G. GRCh37 (hg19) VCF-style: chr17-7800409-C-G.
Other names: c.1881C>G, p.Ile627Met (NM_001437507.1, NM_001437508.1, NM_001437509.1); c.1716C>G, p.Ile572Met (NM_005852.4); c.1893C>G, p.Ile631Met (NM_001005271.3, NM_001437504.1); short protein forms I572M, I627M, I631M.
Identifiers: ClinVar variation 4885970 (VCV004885970.2).

ClinVar aggregate classification (germline): Uncertain significance (1 of 4 stars; one submission).

Submission:

Dasa
Classification: Uncertain significance. Last evaluated: 2024-12-20. Review status: criteria provided, single submitter. Criteria: DASA Assertion Criteria. Collection method: clinical testing. Allele origin: germline.
Comment: NM_001005273.3(CHD3):c.1716C>G (p.Ile572Met) is a missense variant that results in the substitution of isoleucine with methionine. This variant is absent from population databases. Computational prediction algorithms are consistent with a benign effect. The currently available literature and clinical evidence are not sufficient to establish a definitive association between this variant and the reported condition. Therefore, this variant is classified as a variant of uncertain significance.